The following is an entry in ClinVar:

NM_014244.5(ADAMTS2):c.1793G>A (p.Arg598His)

Gene: ADAMTS2 (ADAM metallopeptidase with thrombospondin type 1 motif 2; minus strand). Cytogenetic location: 5q35.3.
Variant type: single nucleotide variant.
Coding change: c.1793G>A on transcript NM_014244.5 (MANE Select); coding-DNA position 1793, G replaced by A.
Protein change: p.Arg598His; replaces arginine 598 with histidine.
Molecular consequence: missense variant.
Genome position (GRCh38, 1-based): chr5:179,137,927, C>T on the plus strand (G>A on the coding strand, the complement: ADAMTS2 is on the minus strand). VCF-style: chr5-179137927-C-T. GRCh37 (hg19) VCF-style: chr5-178564928-C-T.
Other names: short protein forms R598H.
Identifiers: ClinVar variation 1022062 (VCV001022062.5), dbSNP rs1304320729, ClinGen allele CA362427044.

ClinVar aggregate classification (germline): Uncertain significance. Review status: criteria provided, single submitter (1 of 4 stars). 2 submissions from 2 submitters: Uncertain significance (1). 1 of the submissions does not count toward it. Last evaluated 2021-09-01.

Conditions:
Ehlers-Danlos syndrome, dermatosparaxis type. Also called: Ehlers-Danlos syndrome, type VII, autosomal recessive; EDS VIIC; Dermatosparaxis. Identifiers: Orphanet 1901, MedGen C2700425, MONDO:0009161, OMIM 225410.

Allele frequency attached by ClinVar (database versions not stated): gnomAD 0.00001 and 0.00002; gnomAD exomes 0.00002 and 0.00003; TOPMed 0.00002.
gnomAD v4.1: 38 of 1,548,774 alleles (0.0025%); highest among the groups gnomAD compares: Admixed American, 0.0059%; no homozygotes.

Submissions (2):

Labcorp Genetics (formerly Invitae), Labcorp
Classification: Uncertain significance for Ehlers-Danlos syndrome, dermatosparaxis type. Last evaluated: 2021-09-01. Review status: criteria provided, single submitter. Criteria: Invitae Variant Classification Sherloc (09022015). Collection method: clinical testing. Allele origin: germline.
Comment: This sequence change replaces arginine with histidine at codon 598 of the ADAMTS2 protein (p.Arg598His). The arginine residue is highly conserved and there is a small physicochemical difference between arginine and histidine. This variant is not present in population databases (ExAC no frequency). This variant has not been reported in the literature in individuals affected with ADAMTS2-related conditions. Algorithms developed to predict the effect of missense changes on protein structure and function (SIFT, PolyPhen-2, Align-GVGD) all suggest that this variant is likely to be disruptive. In summary, the available evidence is currently insufficient to determine the role of this variant in disease. Therefore, it has been classified as a Variant of Uncertain Significance.

Natera, Inc.
Classification: Uncertain significance for Ehlers-Danlos syndrome type VIIC. Last evaluated: 2020-02-27. Review status: no assertion criteria provided. Collection method: clinical testing. Allele origin: germline. Not counted in ClinVar's aggregate classification.